The following is an entry in ClinVar:

ClinVar aggregate classification (germline): Benign. Review status: criteria provided, multiple submitters, no conflicts (2 of 4 stars). 2 submissions from 2 submitters: Benign (2). Last evaluated 2018-06-19.

Allele frequency attached by ClinVar (database versions not stated): 1000 Genomes Project 30x 0.01359; 1000 Genomes Project 0.01378; TOPMed 0.02094; gnomAD 0.02734 and 0.02782; gnomAD exomes 0.03291.
gnomAD v4.1: 50,377 of 1,557,754 alleles (3.2%); highest among the groups gnomAD compares: Non-Finnish European, 3.4%; 1,059 homozygotes.

Submissions (2):

GeneDx
Classification: Benign. Last evaluated: 2018-06-19. Review status: criteria provided, single submitter. Criteria: GeneDx Variant Classification (06012015). Collection method: clinical testing. Allele origin: germline. Affected: yes.
Comment: This variant is considered likely benign or benign based on one or more of the following criteria: it is a conservative change, it occurs at a poorly conserved position in the protein, it is predicted to be benign by multiple in silico algorithms, and/or has population frequency not consistent with disease.

Breakthrough Genomics
Classification: Benign. Review status: criteria provided, single submitter. Criteria: ACMG Guidelines, 2015. Collection method: not provided. Allele origin: germline. Inheritance: Unknown mechanism. Affected: yes.

NM_005911.6(MAT2A):c.292+70G>A

Genes: GGCX (gamma-glutamyl carboxylase; minus strand), MAT2A (methionine adenosyltransferase 2A; plus strand). Cytogenetic location: 2p11.2.
Variant type: single nucleotide variant.
Coding change: c.292+70G>A on transcript NM_005911.6 (MANE Select); 70 bases into the intron after coding-DNA position 292, G replaced by A.
Molecular consequence: intron variant.
Genome position (GRCh38, 1-based): chr2:85,541,447, G>A. VCF-style: chr2-85541447-G-A. GRCh37 (hg19) VCF-style: chr2-85768570-G-A.
Identifiers: ClinVar variation 674903 (VCV000674903.2), dbSNP rs116670686, ClinGen allele CA51724706.
Genomic context (GRCh38, chr2:85,541,447, plus strand): 5'-AATGATTTTGCTCATTTTTTTCTAGGTAACAGCTGTGAGGTTTGAAGAAACTCCTAGAAT[G>A]TTCCTGCTAATCCTAAACTCCAGTTGTATCTTACTATACACTAAGCCCTATTCTGTTCAT-3'